The following is an entry in ClinVar:

ClinVar aggregate classification (germline): Uncertain significance (1 of 4 stars; one submission).

Conditions:
DICER1-related tumor predisposition. Also called: DICER1 syndrome; DICER1-related pleuropulmonary blastoma cancer predisposition syndrome. Identifiers: Orphanet 284343, MedGen C3839822, MONDO:0100216.

Submission:

Labcorp Genetics (formerly Invitae), Labcorp
Classification: Uncertain significance for DICER1-related tumor predisposition. Last evaluated: 2025-07-14. Review status: criteria provided, single submitter. Criteria: Invitae Variant Classification Sherloc (09022015). Collection method: clinical testing. Allele origin: germline.
Comment: This sequence change replaces asparagine, which is neutral and polar, with aspartic acid, which is acidic and polar, at codon 491 of the DICER1 protein (p.Asn491Asp). This variant is not present in population databases (gnomAD no frequency). This variant has not been reported in the literature in individuals affected with DICER1-related conditions. ClinVar contains an entry for this variant (Variation ID: 3646313). Invitae Evidence Modeling of protein sequence and biophysical properties (such as structural, functional, and spatial information, amino acid conservation, physicochemical variation, residue mobility, and thermodynamic stability) indicates that this missense variant is not expected to disrupt DICER1 protein function with a negative predictive value of 95%. In summary, the available evidence is currently insufficient to determine the role of this variant in disease. Therefore, it has been classified as a Variant of Uncertain Significance.

NM_177438.3(DICER1):c.1471A>G (p.Asn491Asp)

Gene: DICER1 (dicer 1, ribonuclease III; minus strand). Cytogenetic location: 14q32.13.
Variant type: single nucleotide variant.
Coding change: c.1471A>G on transcript NM_177438.3 (MANE Select); coding-DNA position 1471, A replaced by G.
Protein change: p.Asn491Asp; replaces asparagine 491 with aspartic acid.
Molecular consequence: missense variant. On other transcripts: non-coding transcript variant (6), 5 prime UTR variant (1).
Genome position (GRCh38, 1-based): chr14:95,117,660, T>C on the plus strand (A>G on the coding strand, the complement: DICER1 is on the minus strand). VCF-style: chr14-95117660-T-C. GRCh37 (hg19) VCF-style: chr14-95583997-T-C.
Other names: c.1471A>G, p.Asn491Asp (NM_001195573.1, NM_001271282.3, NM_001291628.2 and 12 more transcripts); c.1189A>G, p.Asn397Asp (NM_001395686.1); c.1066A>G, p.Asn356Asp (NM_001395687.1, NM_001395688.1, NM_001395689.1 and 3 more transcripts); c.904A>G, p.Asn302Asp (NM_001395691.1); c.-98A>G (NM_001395697.1); short protein forms N302D, N397D, N491D, N356D.
Identifiers: ClinVar variation 3646313 (VCV003646313.2).
Genomic context (GRCh38, chr14:95,117,660, plus strand): 5'-CACTTATTTTGATTTAAGTTACCTCTTCCTGTTTTCTGAATTCTGCTTCCATCTGTTTGT[T>C]GCGAGGCTGATTCTTCCCAATGCCATGTCCAGTTATGAAATTGCTACTGATATAAGCCAG-3'
Protein context (NP_803187.1, residues 481-501): GHGIGKNQPR[Asn491Asp]KQMEAEFRKQ